The following is an entry in ClinVar:

ClinVar aggregate classification (germline): Uncertain significance (1 of 4 stars; one submission).

Conditions:
Multiple congenital anomalies-hypotonia-seizures syndrome 2 (MCAHS2). Also called: GLYCOSYLPHOSPHATIDYLINOSITOL BIOSYNTHESIS DEFECT 4; EPILEPTIC ENCEPHALOPATHY, EARLY INFANTILE, 20. Identifiers: Orphanet 300496, MedGen C3275508, MONDO:0010466, OMIM 300868.

Allele frequency attached by ClinVar (database versions not stated): gnomAD exomes below 0.00001.
gnomAD v4.1: 1 of 1,211,065 alleles (0.000083%); highest among the groups gnomAD compares: Non-Finnish European, 0.00011%; no homozygotes.

Submission:

Labcorp Genetics (formerly Invitae), Labcorp
Classification: Uncertain significance for Multiple congenital anomalies-hypotonia-seizures syndrome 2. Last evaluated: 2024-01-14. Review status: criteria provided, single submitter. Criteria: Invitae Variant Classification Sherloc (09022015). Collection method: clinical testing. Allele origin: germline.
Comment: This sequence change replaces alanine, which is neutral and non-polar, with proline, which is neutral and non-polar, at codon 405 of the PIGA protein (p.Ala405Pro). This variant is not present in population databases (gnomAD no frequency). This variant has not been reported in the literature in individuals affected with PIGA-related conditions. Advanced modeling of protein sequence and biophysical properties (such as structural, functional, and spatial information, amino acid conservation, physicochemical variation, residue mobility, and thermodynamic stability) performed at Invitae indicates that this missense variant is not expected to disrupt PIGA protein function with a negative predictive value of 95%. In summary, the available evidence is currently insufficient to determine the role of this variant in disease. Therefore, it has been classified as a Variant of Uncertain Significance.

NM_002641.4(PIGA):c.1213G>C (p.Ala405Pro)

Gene: PIGA (phosphatidylinositol glycan anchor biosynthesis class A; minus strand). Cytogenetic location: Xp22.2.
Variant type: single nucleotide variant.
Coding change: c.1213G>C on transcript NM_002641.4 (MANE Select); coding-DNA position 1213, G replaced by C.
Protein change: p.Ala405Pro; replaces alanine 405 with proline.
Molecular consequence: missense variant. On other transcripts: non-coding transcript variant (2).
Genome position (GRCh38, 1-based): chrX:15,321,748, C>G on the plus strand (G>C on the coding strand, the complement: PIGA is on the minus strand). VCF-style: chrX-15321748-C-G. GRCh37 (hg19) VCF-style: chrX-15339870-C-G.
Other names: c.511G>C, p.Ala171Pro (NM_020473.3); short protein forms A405P, A171P.
Identifiers: ClinVar variation 2893228 (VCV002893228.3), dbSNP rs2519321892, ClinGen allele CA412334832.